The following is an entry in ClinVar:

ClinVar aggregate classification (germline): Uncertain significance (1 of 4 stars; one submission).

Conditions:
Neuropathy, hereditary sensory and autonomic, type 2A (HSAN2A). Also called: ACROOSTEOLYSIS, GIACCAI TYPE; ACROOSTEOLYSIS, NEUROGENIC; MORVAN DISEASE; NEUROPATHY, CONGENITAL SENSORY; NEUROPATHY, HEREDITARY SENSORY RADICULAR, AUTOSOMAL RECESSIVE; NEUROPATHY, HEREDITARY SENSORY, TYPE IIA. Identifiers: Orphanet 970, MedGen C2752089, MONDO:0024309, OMIM 201300.
Pseudohypoaldosteronism type 2C (PHA2C). Also called: Pseudohypoaldosteronism Type IIC. Identifiers: Orphanet 757, Orphanet 88940, MedGen C1840391, MONDO:0013778, OMIM 614492.

gnomAD v4.1: 1 of 1,614,162 alleles (0.000062%); highest among the groups gnomAD compares: Non-Finnish European, 0.000085%; no homozygotes.

Submission:

Labcorp Genetics (formerly Invitae), Labcorp
Classification: Uncertain significance for Neuropathy, hereditary sensory and autonomic, type 2A; Pseudohypoaldosteronism type 2C. Last evaluated: 2024-03-04. Review status: criteria provided, single submitter. Criteria: Invitae Variant Classification Sherloc (09022015). Collection method: clinical testing. Allele origin: germline.
Comment: This sequence change replaces proline, which is neutral and non-polar, with serine, which is neutral and polar, at codon 2015 of the WNK1 protein (p.Pro2015Ser). This variant is not present in population databases (gnomAD no frequency). This variant has not been reported in the literature in individuals affected with WNK1-related conditions. Advanced modeling of protein sequence and biophysical properties (such as structural, functional, and spatial information, amino acid conservation, physicochemical variation, residue mobility, and thermodynamic stability) performed at Invitae indicates that this missense variant is not expected to disrupt WNK1 protein function with a negative predictive value of 95%. In summary, the available evidence is currently insufficient to determine the role of this variant in disease. Therefore, it has been classified as a Variant of Uncertain Significance.

NM_018979.4(WNK1):c.5287C>T (p.Pro1763Ser)

Gene: WNK1 (WNK lysine deficient protein kinase 1; plus strand). Cytogenetic location: 12p13.33.
Variant type: single nucleotide variant.
Coding change: c.5287C>T on transcript NM_018979.4 (MANE Select); coding-DNA position 5287, C replaced by T.
Protein change: p.Pro1763Ser; replaces proline 1763 with serine.
Molecular consequence: missense variant.
Genome position (GRCh38, 1-based): chr12:887,227, C>T. VCF-style: chr12-887227-C-T. GRCh37 (hg19) VCF-style: chr12-996393-C-T.
Other names: c.6067C>T, p.Pro2023Ser (NM_001184985.2); c.4546C>T, p.Pro1516Ser (NM_014823.3); c.6043C>T, p.Pro2015Ser (NM_213655.5); short protein forms P1516S, P1763S, P2015S, P2023S.
Identifiers: ClinVar variation 3758016 (VCV003758016.2).